The following is an entry in ClinVar:

ClinVar aggregate classification (germline): Uncertain significance (1 of 4 stars; one submission).

Submission:

GeneDx
Classification: Uncertain significance. Last evaluated: 2022-11-08. Review status: criteria provided, single submitter. Criteria: GeneDx Variant Classification Process June 2021. Collection method: clinical testing. Allele origin: germline. Affected: yes.
Comment: Not observed at significant frequency in large population cohorts (gnomAD); In silico analysis supports that this missense variant has a deleterious effect on protein structure/function; Has not been previously published as pathogenic or benign to our knowledge

NM_138927.4(SON):c.1907C>T (p.Pro636Leu)

Gene: SON (SON DNA and RNA binding protein; plus strand). Cytogenetic location: 21q22.11.
Variant type: single nucleotide variant.
Coding change: c.1907C>T on transcript NM_138927.4 (MANE Select); coding-DNA position 1907, C replaced by T.
Protein change: p.Pro636Leu; replaces proline 636 with leucine.
Molecular consequence: missense variant. On other transcripts: non-coding transcript variant (1), intron variant (1).
Genome position (GRCh38, 1-based): chr21:33,551,138, C>T. VCF-style: chr21-33551138-C-T. GRCh37 (hg19) VCF-style: chr21-34923444-C-T.
Other names: c.1907C>T, p.Pro636Leu (NM_001291411.2, NM_001412133.1, NM_032195.3 and 2 more transcripts); c.244+4759C>T (NM_001291412.3); short protein forms P636L.
Identifiers: ClinVar variation 2501534 (VCV002501534.1), dbSNP rs2517358470, ClinGen allele CA410156468.